The following is an entry in ClinVar:

NM_003901.4(SGPL1):c.134G>A (p.Trp45Ter)

Gene: SGPL1 (sphingosine-1-phosphate lyase 1; plus strand). Cytogenetic location: 10q22.1.
Variant type: single nucleotide variant.
Coding change: c.134G>A on transcript NM_003901.4 (MANE Select); coding-DNA position 134, G replaced by A.
Protein change: p.Trp45Ter; replaces tryptophan 45 with a stop codon.
Molecular consequence: nonsense.
Genome position (GRCh38, 1-based): chr10:70,844,579, G>A. VCF-style: chr10-70844579-G-A. GRCh37 (hg19) VCF-style: chr10-72604336-G-A.
Other names: short protein forms W45*.
Identifiers: ClinVar variation 2030611 (VCV002030611.4), dbSNP rs1196497635, ClinGen allele CA377113430.
Genomic context (GRCh38, chr10:70,844,579, plus strand): 5'-AAGCCAAGAATTATGTAAATGGACATTGCACCAAGTATGAGCCCTGGCAGCTAATTGCAT[G>A]GAGTGTCGTGTGGACCCTGCTGATAGTCTGGGGATATGAGTTTGTCTTCCAGCCAGAGAG-3'

ClinVar aggregate classification (germline): Pathogenic (1 of 4 stars; one submission).

gnomAD v4.1: 2 of 1,614,136 alleles (0.00012%); highest among the groups gnomAD compares: East Asian, 0.0022%; no homozygotes.

Submission:

Labcorp Genetics (formerly Invitae), Labcorp
Classification: Pathogenic. Last evaluated: 2025-03-18. Review status: criteria provided, single submitter. Criteria: Invitae Variant Classification Sherloc (09022015). Collection method: clinical testing. Allele origin: germline.
Comment: This sequence change creates a premature translational stop signal (p.Trp45*) in the SGPL1 gene. It is expected to result in an absent or disrupted protein product. Loss-of-function variants in SGPL1 are known to be pathogenic (PMID: 28165339, 28165343). This variant is present in population databases (no rsID available, gnomAD 0.006%). This variant has not been reported in the literature in individuals affected with SGPL1-related conditions. ClinVar contains an entry for this variant (Variation ID: 2030611). For these reasons, this variant has been classified as Pathogenic.

Literature cited by the submitters: PubMed 28165339; PubMed 28165343.